The following is an entry in ClinVar:

NM_173689.7(CRB2):c.3796G>C (p.Ala1266Pro)

Gene: CRB2 (crumbs cell polarity complex component 2; plus strand). Cytogenetic location: 9q33.3.
Variant type: single nucleotide variant.
Coding change: c.3796G>C on transcript NM_173689.7 (MANE Select); coding-DNA position 3796, G replaced by C.
Protein change: p.Ala1266Pro; replaces alanine 1266 with proline.
Molecular consequence: missense variant. On other transcripts: non-coding transcript variant (1).
Genome position (GRCh38, 1-based): chr9:123,377,000, G>C. VCF-style: chr9-123377000-G-C. GRCh37 (hg19) VCF-style: chr9-126139279-G-C.
Other names: short protein forms A1266P.
Identifiers: ClinVar variation 1961807 (VCV001961807.6), dbSNP rs1475485567, ClinGen allele CA374869838.

ClinVar aggregate classification (germline): Uncertain significance. Review status: criteria provided, multiple submitters, no conflicts (2 of 4 stars). 2 submissions from 2 submitters: Uncertain significance (2). Last evaluated 2022-03-11.

Conditions:
Inborn genetic diseases. Identifiers: MedGen C0950123, MeSH D030342.

Allele frequency attached by ClinVar (database versions not stated): gnomAD exomes below 0.00001; TOPMed below 0.00001.
gnomAD v4.1: 2 of 1,609,206 alleles (0.00012%); highest among the groups gnomAD compares: Admixed American, 0.0034%; no homozygotes.

Submissions (2):

Labcorp Genetics (formerly Invitae), Labcorp
Classification: Uncertain significance. Last evaluated: 2022-03-11. Review status: criteria provided, single submitter. Criteria: Invitae Variant Classification Sherloc (09022015). Collection method: clinical testing. Allele origin: germline.
Comment: In summary, the available evidence is currently insufficient to determine the role of this variant in disease. Therefore, it has been classified as a Variant of Uncertain Significance. Advanced modeling of protein sequence and biophysical properties (such as structural, functional, and spatial information, amino acid conservation, physicochemical variation, residue mobility, and thermodynamic stability) performed at Invitae indicates that this missense variant is expected to disrupt CRB2 protein function. This variant has not been reported in the literature in individuals affected with CRB2-related conditions. This variant is present in population databases (no rsID available, gnomAD 0.006%). This sequence change replaces alanine, which is neutral and non-polar, with proline, which is neutral and non-polar, at codon 1266 of the CRB2 protein (p.Ala1266Pro).

Ambry Genetics
Classification: Uncertain significance for Inborn genetic diseases. Last evaluated: 2021-01-27. Review status: criteria provided, single submitter. Criteria: Ambry Variant Classification Scheme 2023. Collection method: clinical testing. Allele origin: germline.